The following is an entry in ClinVar:

ClinVar aggregate classification (germline): Benign. Review status: criteria provided, multiple submitters, no conflicts (2 of 4 stars). 5 submissions from 3 submitters: Benign (5). Last evaluated 2026-01-19.

Conditions:
Rabson-Mendenhall syndrome. Also called: MENDENHALL SYNDROME; Pineal Hyperplasia, Insulin-Resistant Diabetes Mellitus, and Somatic Abnormalities; Pineal hyperplasia AND diabetes mellitus syndrome. Identifiers: Orphanet 769, MedGen C0271695, MONDO:0009874, OMIM 262190.
Leprechaunism syndrome. Also called: Donohue syndrome; LEPRECHAUNISM. Identifiers: Orphanet 508, MedGen C0265344, MONDO:0009517, OMIM 246200.
Insulin-resistant diabetes mellitus AND acanthosis nigricans. Also called: Insulin-resistance syndrome type A; INSULIN RECEPTOR, DEFECT IN, WITH INSULIN-RESISTANT DIABETES MELLITUS AND ACANTHOSIS NIGRICANS; IRAN, TYPE A; type A insulin resistance; DIABETES MELLITUS, INSULIN-RESISTANT, WITH ACANTHOSIS NIGRICANS, TYPE A. Identifiers: Orphanet 2297, MedGen C0342278, MONDO:0012520, OMIM 610549.

Allele frequency attached by ClinVar (database versions not stated): gnomAD exomes 0.00118 and 0.00340; ExAC 0.00406; 1000 Genomes Project 30x 0.01156; 1000 Genomes Project 0.01198; gnomAD 0.01261 and 0.01346; TOPMed 0.01493; ESP Exome Variant Server 0.01569.
gnomAD v4.1: 3,744 of 1,614,174 alleles (0.23%); highest among the groups gnomAD compares: African/African-American, 4.3%; 90 homozygotes.

Submissions (5):

Labcorp Genetics (formerly Invitae), Labcorp
Classification: Benign. Last evaluated: 2026-01-19. Review status: criteria provided, single submitter. Criteria: Invitae Variant Classification Sherloc (09022015). Collection method: clinical testing. Allele origin: germline.

Illumina Laboratory Services, Illumina
Classification: Benign for Insulin-resistant diabetes mellitus AND acanthosis nigricans. Last evaluated: 2018-01-12. Review status: criteria provided, single submitter. Criteria: ICSL Variant Classification Criteria 13 December 2019. Collection method: clinical testing. Allele origin: germline.
Comment: This variant was observed in the ICSL laboratory as part of a predisposition screen in an ostensibly healthy population. It had not been previously curated by ICSL or reported in the Human Gene Mutation Database (HGMD: prior to June 1st, 2018), and was therefore a candidate for classification through an automated scoring system. Utilizing variant allele frequency, disease prevalence and penetrance estimates, and inheritance mode, an automated score was calculated to assess if this variant is too frequent to cause the disease. Based on the score and internal cut-off values, a variant classified as benign is not then subjected to further curation. The score for this variant resulted in a classification of benign for this disease.

Illumina Laboratory Services, Illumina
Classification: Benign for Rabson-Mendenhall syndrome. Last evaluated: 2018-01-12. Review status: criteria provided, single submitter. Criteria: ICSL Variant Classification Criteria 13 December 2019. Collection method: clinical testing. Allele origin: germline.
Comment: the same text as in the submission from Illumina Laboratory Services, Illumina above.

Illumina Laboratory Services, Illumina
Classification: Benign for Leprechaunism syndrome. Last evaluated: 2018-01-12. Review status: criteria provided, single submitter. Criteria: ICSL Variant Classification Criteria 13 December 2019. Collection method: clinical testing. Allele origin: germline.
Comment: the same text as in the submission from Illumina Laboratory Services, Illumina above.

Breakthrough Genomics
Classification: Benign. Review status: criteria provided, single submitter. Criteria: ACMG Guidelines, 2015. Collection method: not provided. Allele origin: germline. Inheritance: Autosomal recessive inheritance. Affected: yes.

NM_000208.4(INSR):c.2370G>A (p.Thr790=)

Gene: INSR (insulin receptor; minus strand). Cytogenetic location: 19p13.2.
Variant type: single nucleotide variant.
Coding change: c.2370G>A on transcript NM_000208.4 (MANE Select); coding-DNA position 2370, G replaced by A.
Protein change: p.Thr790=; no amino-acid change (threonine 790 retained).
Molecular consequence: synonymous variant.
Genome position (GRCh38, 1-based): chr19:7,142,988, C>T on the plus strand (G>A on the coding strand, the complement: INSR is on the minus strand). VCF-style: chr19-7142988-C-T. GRCh37 (hg19) VCF-style: chr19-7142999-C-T.
Other names: c.2334G>A, p.Thr778= (NM_001079817.3).
Identifiers: ClinVar variation 330461 (VCV000330461.15), dbSNP rs16994210, ClinGen allele CA9135562.